The following is an entry in ClinVar:

ClinVar aggregate classification (germline): Uncertain significance (1 of 4 stars; one submission).

Conditions:
Early-infantile DEE. Also called: Early infantile epileptic encephalopathy; Early infantile epileptic encephalopathy with suppression bursts; Ohtahara syndrome. Identifiers: Orphanet 1934, MedGen C0393706, MONDO:0800491.

Allele frequency attached by ClinVar (database versions not stated): TOPMed 0.00001; gnomAD 0.00009; 1000 Genomes Project 0.00040; 1000 Genomes Project 30x 0.00062.
gnomAD v4.1: 13 of 151,272 alleles (0.0086%); highest among the groups gnomAD compares: South Asian, 0.27%; no homozygotes.

Submission:

Labcorp Genetics (formerly Invitae), Labcorp
Classification: Uncertain significance for Early-infantile DEE. Last evaluated: 2025-10-24. Review status: criteria provided, single submitter. Criteria: Invitae Variant Classification Sherloc (09022015). Collection method: clinical testing. Allele origin: germline.
Comment: This sequence change falls in intron 20 of the SCN1A gene. It does not directly change the encoded amino acid sequence of the SCN1A protein. However, this sequence change falls within a region encompassing a cryptic exon in the SCN1A gene, in which variants have been shown to alter splicing (PMID: 30526861, 34107977). This variant is present in population databases (rs577323922, gnomAD no frequency). This variant has been observed in individual(s) with clinical features of developmental and epileptic encephalopathy (internal data). ClinVar contains an entry for this variant (Variation ID: 1652695). Algorithms developed to predict the effect of sequence changes on RNA splicing suggest that this variant is not likely to affect RNA splicing. In summary, the available evidence is currently insufficient to determine the role of this variant in disease. Therefore, it has been classified as a Variant of Uncertain Significance.

Literature cited by the submitters: PubMed 30526861; PubMed 34107977.

NM_001165963.4(SCN1A):c.4002+2320G>A

Genes: SCN1A (sodium voltage-gated channel alpha subunit 1; minus strand), LOC102724058 (uncharacterized LOC102724058; plus strand). Cytogenetic location: 2q24.3.
Variant type: single nucleotide variant.
Coding change: c.4002+2320G>A on transcript NM_001165963.4 (MANE Select); 2320 bases into the intron after coding-DNA position 4002, G replaced by A.
Molecular consequence: intron variant.
Genome position (GRCh38, 1-based): chr2:166,007,399, C>T on the plus strand (G>A on the coding strand, the complement: SCN1A is on the minus strand). VCF-style: chr2-166007399-C-T. GRCh37 (hg19) VCF-style: chr2-166863909-C-T.
Other names: c.3969+2320G>A (NM_001353949.2, NM_001353950.2, NM_001353951.2 and 2 more transcripts); c.3918+2320G>A (NM_001353958.2, NM_001353957.2, NM_001165964.3); c.4002+2320G>A (NM_001202435.3, NM_001353948.2); c.3966+2320G>A (NM_001353955.2, NM_001353954.2); c.3915+2320G>A (NM_001353960.2); c.1560+2320G>A (NM_001353961.2).
Identifiers: ClinVar variation 1652695 (VCV001652695.9), dbSNP rs577323922, ClinGen allele CA59771606.